The following is an entry in ClinVar:

NM_032383.5(HPS3):c.1007A>G (p.Glu336Gly)

Gene: HPS3 (HPS3 biogenesis of lysosomal organelles complex 2 subunit 1; plus strand). Cytogenetic location: 3q24.
Variant type: single nucleotide variant.
Coding change: c.1007A>G on transcript NM_032383.5 (MANE Select); coding-DNA position 1007, A replaced by G.
Protein change: p.Glu336Gly; replaces glutamic acid 336 with glycine.
Molecular consequence: missense variant.
Genome position (GRCh38, 1-based): chr3:149,145,390, A>G. VCF-style: chr3-149145390-A-G. GRCh37 (hg19) VCF-style: chr3-148863177-A-G.
Other names: c.512A>G, p.Glu171Gly (NM_001308258.2); c.1007A>G (NM_032383.3); short protein forms E171G, E336G.
Identifiers: ClinVar variation 1942852 (VCV001942852.3), dbSNP rs1418479099, ClinGen allele CA354915543.

ClinVar aggregate classification (germline): Uncertain significance. Review status: criteria provided, multiple submitters, no conflicts (2 of 4 stars). 2 submissions from 2 submitters: Uncertain significance (2). Last evaluated 2023-10-03.

Conditions:
Inborn genetic diseases. Identifiers: MedGen C0950123, MeSH D030342.

Allele frequency attached by ClinVar (database versions not stated): gnomAD exomes below 0.00001; gnomAD 0.00001; TOPMed 0.00001.
gnomAD v4.1: 2 of 1,613,706 alleles (0.00012%); highest among the groups gnomAD compares: African/African-American, 0.0027%; no homozygotes.

Submissions (2):

Ambry Genetics
Classification: Uncertain significance for Inborn genetic diseases. Last evaluated: 2023-10-03. Review status: criteria provided, single submitter. Criteria: Ambry Variant Classification Scheme 2023. Collection method: clinical testing. Allele origin: germline.

Labcorp Genetics (formerly Invitae), Labcorp
Classification: Uncertain significance. Last evaluated: 2022-02-18. Review status: criteria provided, single submitter. Criteria: Invitae Variant Classification Sherloc (09022015). Collection method: clinical testing. Allele origin: germline.
Comment: This sequence change replaces glutamic acid, which is acidic and polar, with glycine, which is neutral and non-polar, at codon 336 of the HPS3 protein (p.Glu336Gly). This variant is present in population databases (no rsID available, gnomAD 0.01%). This variant has not been reported in the literature in individuals affected with HPS3-related conditions. Algorithms developed to predict the effect of missense changes on protein structure and function output the following: SIFT: "Tolerated"; PolyPhen-2: "Benign"; Align-GVGD: "Class C0". The glycine amino acid residue is found in multiple mammalian species, which suggests that this missense change does not adversely affect protein function. In summary, the available evidence is currently insufficient to determine the role of this variant in disease. Therefore, it has been classified as a Variant of Uncertain Significance.